The following is an entry in ClinVar:

NM_000321.3(RB1):c.72G>A (p.Pro24=)

Gene: RB1 (RB transcriptional corepressor 1; plus strand). Cytogenetic location: 13q14.2.
Variant type: single nucleotide variant.
Coding change: c.72G>A on transcript NM_000321.3 (MANE Select); coding-DNA position 72, G replaced by A.
Protein change: p.Pro24=; no amino-acid change (proline 24 retained).
Molecular consequence: synonymous variant.
Genome position (GRCh38, 1-based): chr13:48,303,984, G>A. VCF-style: chr13-48303984-G-A. GRCh37 (hg19) VCF-style: chr13-48878120-G-A.
Other names: c.72G>A, p.Pro24= (NM_001407165.1, NM_001407166.1, NM_001407167.1).
Identifiers: ClinVar variation 2565215 (VCV002565215.7), dbSNP rs1333596916, ClinGen allele CA483711618.

ClinVar aggregate classification (germline): Benign/Likely benign. Review status: criteria provided, multiple submitters, no conflicts (2 of 4 stars). 4 submissions from 4 submitters: Benign (1); Likely benign (3). Last evaluated 2026-06-23.

Conditions:
Retinoblastoma (RB1). Also called: RETINOBLASTOMA, SOMATIC. Identifiers: Orphanet 790, MedGen C0035335, MeSH D012175, MONDO:0008380, OMIM 180200, HP:0009919. Disease mechanism: loss of function. Inheritance: Both sporadic and heritable forms are tested..
Hereditary cancer-predisposing syndrome. Also called: Neoplastic Syndromes, Hereditary; Tumor predisposition; Hereditary neoplastic syndrome; Hereditary Cancer Syndrome. Identifiers: Orphanet 140162, MedGen C0027672, MeSH D009386, MONDO:0015356.

Allele frequency attached by ClinVar (database versions not stated): gnomAD 0.00001.

Submissions (4):

Myriad Genetics, Inc.
Classification: Benign for Retinoblastoma. Last evaluated: 2026-06-23. Review status: criteria provided, single submitter. Criteria: Myriad Autosomal Dominant, Autosomal Recessive and X-Linked Classification Criteria (2023). Collection method: clinical testing. Allele origin: unknown.
Comment: This variant is considered benign. This variant is a silent/synonymous amino acid change and it is not expected to impact splicing.

All of Us Research Program, National Institutes of Health
Classification: Likely benign for Retinoblastoma. Last evaluated: 2024-08-30. Review status: criteria provided, single submitter. Criteria: ACMG Guidelines, 2015. Collection method: clinical testing. Allele origin: germline. Inheritance: Autosomal dominant inheritance. Observed: 1 variant allele, 1 heterozygote.
Comment: This study involves interpretation of variants in research participants for the purpose of population health screening. Participant phenotype was not available at the time of variant classification. Additional details can be found in publication PMID: 35346344, PMCID: PMC8962531

Ambry Genetics
Classification: Likely benign for Hereditary cancer-predisposing syndrome. Last evaluated: 2023-03-20. Review status: criteria provided, single submitter. Criteria: Ambry Variant Classification Scheme 2023. Collection method: clinical testing. Allele origin: germline.

Labcorp Genetics (formerly Invitae), Labcorp
Classification: Likely benign for Retinoblastoma. Last evaluated: 2023-02-14. Review status: criteria provided, single submitter. Criteria: Invitae Variant Classification Sherloc (09022015). Collection method: clinical testing. Allele origin: germline.